The following is an entry in ClinVar:

ClinVar aggregate classification (germline): Uncertain significance (1 of 4 stars; one submission).

Allele frequency attached by ClinVar (database versions not stated): gnomAD exomes 0.00001; TOPMed 0.00001.
gnomAD v4.1: 10 of 1,614,184 alleles (0.00062%); highest among the groups gnomAD compares: Non-Finnish European, 0.00085%; no homozygotes.

Submission:

Labcorp Genetics (formerly Invitae), Labcorp
Classification: Uncertain significance. Last evaluated: 2022-06-08. Review status: criteria provided, single submitter. Criteria: Invitae Variant Classification Sherloc (09022015). Collection method: clinical testing. Allele origin: germline.
Comment: This sequence change replaces asparagine, which is neutral and polar, with serine, which is neutral and polar, at codon 3937 of the LRP2 protein (p.Asn3937Ser). The frequency data for this variant in the population databases is considered unreliable, as metrics indicate poor data quality at this position in the gnomAD database. This variant has not been reported in the literature in individuals affected with LRP2-related conditions. Advanced modeling of protein sequence and biophysical properties (such as structural, functional, and spatial information, amino acid conservation, physicochemical variation, residue mobility, and thermodynamic stability) performed at Invitae indicates that this missense variant is not expected to disrupt LRP2 protein function. In summary, the available evidence is currently insufficient to determine the role of this variant in disease. Therefore, it has been classified as a Variant of Uncertain Significance.

NM_004525.3(LRP2):c.11810A>G (p.Asn3937Ser)

Gene: LRP2 (LDL receptor related protein 2; minus strand). Cytogenetic location: 2q31.1.
Variant type: single nucleotide variant.
Coding change: c.11810A>G on transcript NM_004525.3 (MANE Select); coding-DNA position 11810, A replaced by G.
Protein change: p.Asn3937Ser; replaces asparagine 3937 with serine.
Molecular consequence: missense variant.
Genome position (GRCh38, 1-based): chr2:169,162,549, T>C on the plus strand (A>G on the coding strand, the complement: LRP2 is on the minus strand). VCF-style: chr2-169162549-T-C. GRCh37 (hg19) VCF-style: chr2-170019059-T-C.
Other names: short protein forms N3937S.
Identifiers: ClinVar variation 2179422 (VCV002179422.1), dbSNP rs1034947075, ClinGen allele CA59903167.